The following is an entry in ClinVar:

ClinVar aggregate classification (germline): Conflicting classifications of pathogenicity. Review status: criteria provided, conflicting classifications (1 of 4 stars). 20 submissions from 20 submitters: Uncertain significance (3); Benign (10); Likely benign (5). 2 of the submissions do not count toward it. Last evaluated 2026-08-01.

Conditions:
CFTR-related disorder (CFTR-RD). Also called: CFTR-related condition; CFTR-related disorders. Identifiers: MedGen C5924204, MONDO:7770004.
Cystic fibrosis (CF). Also called: MUCOVISCIDOSIS. Identifiers: Orphanet 586, MedGen C0010674, MONDO:0009061, OMIM 219700. Disease mechanism: loss of function.

Allele frequency attached by ClinVar (database versions not stated): TOPMed 0.00101; gnomAD exomes 0.00178; ExAC 0.00187; ESP Exome Variant Server 0.00054; gnomAD 0.00083; 1000 Genomes Project 30x 0.00109; 1000 Genomes Project 0.00140.
gnomAD v4.1: 2,383 of 1,613,710 alleles (0.15%); highest among the groups gnomAD compares: Middle Eastern, 0.68%; 12 homozygotes.

Submissions (20):

CeGaT Center for Human Genetics Tuebingen
Classification: Likely benign. Last evaluated: 2026-08-01. Review status: criteria provided, single submitter. Criteria: CeGaT Center For Human Genetics Tuebingen Variant Classification Criteria Version 2. Collection method: clinical testing. Allele origin: germline. Affected: yes. Observed: 14 variant alleles.
Comment: CFTR: PM5, BS2

Labcorp Genetics (formerly Invitae), Labcorp
Classification: Benign for Cystic fibrosis. Last evaluated: 2026-02-04. Review status: criteria provided, single submitter. Criteria: Invitae Variant Classification Sherloc (09022015). Collection method: clinical testing. Allele origin: germline.

ARUP Laboratories, Molecular Genetics and Genomics, ARUP Laboratories
Classification: Benign. Last evaluated: 2025-02-25. Review status: criteria provided, single submitter. Criteria: ARUP Molecular Germline Variant Investigation Process 2024. Collection method: clinical testing. Allele origin: germline.

3billion
Classification: Uncertain significance for Cystic fibrosis. Last evaluated: 2025-02-19. Review status: criteria provided, single submitter. Criteria: ACMG Guidelines, 2015. Collection method: clinical testing. Allele origin: germline. Affected: yes.
Comment: The variant is observed at an extremely low frequency in the gnomAD v4.1.0 dataset (total allele frequency: 0.148%). Predicted Consequence/Location: Missense variant In silico tool predictions suggest damaging effect of the variant on gene or gene product [3Cnet: 0.73 (>=0.6, sensitivity 0.72 and precision 0.9)]. A different missense change at the same codon (p.Ile148Asn) has been reported as pathogenic/likely pathogenic with strong evidence (ClinVar ID: VCV000053949 /PMID: 15480987). The variant has been reported at least twice as benign with clinical assertions and evidence for the classification (ClinVar ID: VCV000038850). Therefore, this variant is classified as VUS according to the recommendation of ACMG/AMP guideline.

Blueprint Genetics
Classification: Likely benign. Last evaluated: 2024-11-14. Review status: criteria provided, single submitter. Criteria: ACMG Guidelines, 2015. Collection method: clinical testing. Allele origin: germline.

SIB Swiss Institute of Bioinformatics
Classification: Likely benign for Cystic fibrosis. Last evaluated: 2024-04-30. Review status: criteria provided, single submitter. Criteria: ACMG Guidelines, 2015. Collection method: curation. Allele origin: unknown.
Comment: This variant is interpreted as a likely benign, for Cystic fibrosis, in Autosomal Recessive manner. The following ACMG Tag(s) were applied: BS2 => Observed in a healthy adult individual for a recessive (homozygous), dominant (heterozygous), or X-linked (hemizygous) disorder, with full penetrance expected at an early age. BP2 => Observed in trans with a pathogenic variant for a fully penetrant dominant gene/disorder or observed in cis with a pathogenic variant in any inheritance pattern (PMID:12394343).

Mendelics
Classification: Benign for Cystic fibrosis. Last evaluated: 2023-08-22. Review status: criteria provided, single submitter. Criteria: Mendelics Assertion Criteria 2019. Collection method: clinical testing. Allele origin: germline.

Mayo Clinic Laboratories, Mayo Clinic
Classification: Benign. Last evaluated: 2023-02-16. Review status: criteria provided, single submitter. Criteria: ACMG Guidelines, 2015. Collection method: clinical testing. Allele origin: germline. Observed: 25 variant alleles.

Institute of Human Genetics, University of Leipzig Medical Center
Classification: Uncertain significance for Cystic fibrosis. Last evaluated: 2022-09-05. Review status: criteria provided, single submitter. Criteria: ACMG Guidelines, 2015. Collection method: curation. Allele origin: unknown. Affected: yes. Observed: 2 variant alleles.
Comment: This variant was identified in 2 unrelated patients with a clinically confirmed diagnosis of cystic fibrosis. The variant was classified in the context of a project re-classifying variants in the German Cystic Fibrosis Registry (Muko.e.V.). Criteria applied: PM5, PP4, BS2, BS3, BP2

Genome-Nilou Lab
Classification: Likely benign for Cystic fibrosis. Last evaluated: 2021-06-10. Review status: criteria provided, single submitter. Criteria: ACMG Guidelines, 2015. Collection method: clinical testing. Allele origin: germline. Affected: no.

GeneDx
Classification: Likely benign. Last evaluated: 2021-02-23. Review status: criteria provided, single submitter. Criteria: GeneDx Variant Classification Process June 2021. Collection method: clinical testing. Allele origin: germline. Affected: yes.
Comment: In silico analysis, which includes protein predictors and evolutionary conservation, supports that this variant does not alter protein structure/function; This variant is associated with the following publications: (PMID: 1284534, 23974870, 9305991, 12394343, 10653141, 11484207, 22658665, 22975760, 20021716, 15287992, 26990548, 7517268, 15017334, 18456578, 18685558, 16822950, 11242048, 19491324, 15371902)

Quest Diagnostics Nichols Institute San Juan Capistrano
Classification: Benign. Last evaluated: 2019-12-24. Review status: criteria provided, single submitter. Criteria: Quest Diagnostics criteria. Collection method: clinical testing. Allele origin: unknown.

Johns Hopkins Genomics, Johns Hopkins University
Classification: Benign for Cystic fibrosis. Last evaluated: 2019-06-25. Review status: criteria provided, single submitter. Criteria: ACMG Guidelines, 2015. Collection method: clinical testing. Allele origin: germline.

Illumina Laboratory Services, Illumina
Classification: Uncertain significance for CFTR-Related Disorders. Last evaluated: 2018-03-06. Review status: criteria provided, single submitter. Criteria: ICSL Variant Classification Criteria 13 December 2019. Collection method: clinical testing. Allele origin: germline.

CFTR-France
Classification: Benign for cystic fibrosis. Last evaluated: 2018-01-29. Review status: criteria provided, single submitter. Criteria: Claustres M et al. (Hum Mutat 2017). Collection method: curation. Allele origin: germline. Affected: yes and no.
Comment: the variant does not result in CFTR-RD neither

Ambry Genetics
Classification: Benign for Cystic fibrosis. Last evaluated: 2015-03-13. Review status: criteria provided, single submitter. Criteria: Ambry Variant Classification Scheme 2023. Collection method: clinical testing. Allele origin: germline.

Eurofins Ntd Llc (ga)
Classification: Benign. Last evaluated: 2012-08-06. Review status: criteria provided, single submitter. Criteria: EGL Classification Definitions 2015. Collection method: clinical testing. Allele origin: germline. Observed: 1 variant allele, 1 heterozygote.

PreventionGenetics, part of Exact Sciences
Classification: Benign. Review status: criteria provided, single submitter. Criteria: ACMG Guidelines, 2015. Collection method: clinical testing. Allele origin: germline.

Natera, Inc.
Classification: Benign for Cystic Fibrosis. Last evaluated: 2019-08-06. Review status: no assertion criteria provided. Collection method: clinical testing. Allele origin: germline. Not counted in ClinVar's aggregate classification.

Counsyl
Classification: Likely benign for Cystic fibrosis. Last evaluated: 2017-04-14. Review status: no assertion criteria provided. Collection method: clinical testing. Allele origin: unknown. Not counted in ClinVar's aggregate classification.

Literature cited by the submitters: PubMed 15480987 (cited by 3billion); PubMed 11242048 (cited by Quest Diagnostics Nichols Institute San Juan Capistrano and Counsyl); PubMed 16822950 (cited by Quest Diagnostics Nichols Institute San Juan Capistrano and Counsyl); PubMed 15017334 (cited by Quest Diagnostics Nichols Institute San Juan Capistrano); PubMed 15287992 (cited by Quest Diagnostics Nichols Institute San Juan Capistrano); PubMed 12394343 (cited by Quest Diagnostics Nichols Institute San Juan Capistrano and Counsyl); PubMed 23670503 (cited by Quest Diagnostics Nichols Institute San Juan Capistrano); PubMed 12172395 (cited by Quest Diagnostics Nichols Institute San Juan Capistrano); PubMed 18456578 (cited by Counsyl); PubMed 15371902 (cited by Counsyl); PubMed 23974870 (cited by Counsyl); PubMed 9305991 (cited by Counsyl); PubMed 19491324 (cited by Counsyl).

NM_000492.4(CFTR):c.443T>C (p.Ile148Thr)

Gene: CFTR (CF transmembrane conductance regulator; plus strand). Cytogenetic location: 7q31.2.
Variant type: single nucleotide variant.
Coding change: c.443T>C on transcript NM_000492.4 (MANE Select); coding-DNA position 443, T replaced by C.
Protein change: p.Ile148Thr; replaces isoleucine 148 with threonine.
Molecular consequence: missense variant.
Genome position (GRCh38, 1-based): chr7:117,531,068, T>C. VCF-style: chr7-117531068-T-C. GRCh37 (hg19) VCF-style: chr7-117171122-T-C.
Other names: NM_000492.3(CFTR):c.443T>C(p.Ile148Thr); short protein forms I148T.
Identifiers: ClinVar variation 38850 (VCV000038850.69), dbSNP rs35516286, ClinGen allele CA146708.